The following is an entry in ClinVar:

ClinVar aggregate classification (germline): Likely benign (0 of 4 stars; one submission).

Conditions:
LHX8-related disorder. Also called: LHX8-related condition.

Allele frequency attached by ClinVar (database versions not stated): gnomAD exomes 0.00006; ESP Exome Variant Server 0.00077; 1000 Genomes Project 0.00120; 1000 Genomes Project 30x 0.00125; ExAC 0.00025; gnomAD 0.00054; TOPMed 0.00076.
gnomAD v4.1: 169 of 1,613,688 alleles (0.01%); highest among the groups gnomAD compares: African/African-American, 0.21%; no homozygotes.

Submission:

PreventionGenetics, part of Exact Sciences
Classification: Likely benign for LHX8-related condition. Last evaluated: 2019-04-11. Review status: no assertion criteria provided. Collection method: clinical testing. Allele origin: germline.
Comment: This variant is classified as likely benign based on ACMG/AMP sequence variant interpretation guidelines (Richards et al. 2015 PMID: 25741868, with internal and published modifications).

NM_001256114.2(LHX8):c.213G>A (p.Glu71=)

Gene: LHX8 (LIM homeobox 8; plus strand). Cytogenetic location: 1p31.1.
Variant type: single nucleotide variant.
Coding change: c.213G>A on transcript NM_001256114.2 (MANE Select); coding-DNA position 213, G replaced by A.
Protein change: p.Glu71=; no amino-acid change (glutamic acid 71 retained).
Molecular consequence: synonymous variant.
Genome position (GRCh38, 1-based): chr1:75,137,237, G>A. VCF-style: chr1-75137237-G-A. GRCh37 (hg19) VCF-style: chr1-75602922-G-A.
Other names: c.243G>A, p.Glu81= (NM_001001933.1).
Identifiers: ClinVar variation 3051304 (VCV003051304.2), dbSNP rs149422695, ClinGen allele CA911845.